The following is an entry in ClinVar:

NM_001365276.2(TNXB):c.6545C>T (p.Ala2182Val)

Gene: TNXB (tenascin XB; minus strand). Cytogenetic location: 6p21.33.
Variant type: single nucleotide variant.
Coding change: c.6545C>T on transcript NM_001365276.2 (MANE Select); coding-DNA position 6545, C replaced by T.
Protein change: p.Ala2182Val; replaces alanine 2182 with valine.
Molecular consequence: missense variant.
Genome position (GRCh38, 1-based): chr6:32,065,117, G>A on the plus strand (C>T on the coding strand, the complement: TNXB is on the minus strand). VCF-style: chr6-32065117-G-A. GRCh37 (hg19) VCF-style: chr6-32032894-G-A.
Other names: c.7286C>T, p.Ala2429Val (NM_001428335.1); c.6545C>T, p.Ala2182Val (NM_019105.8); short protein forms A2182V, A2429V.
Identifiers: ClinVar variation 3359564 (VCV003359564.2).

ClinVar aggregate classification (germline): Uncertain significance. Review status: criteria provided, multiple submitters, no conflicts (2 of 4 stars). 2 submissions from 2 submitters: Uncertain significance (2). Last evaluated 2026-01-02.

Conditions:
Cardiovascular phenotype. Identifiers: MedGen CN230736.

gnomAD v4.1: 4 of 1,560,932 alleles (0.00026%); highest among the groups gnomAD compares: Non-Finnish European, 0.00035%; no homozygotes.

Submissions (2):

Ambry Genetics
Classification: Uncertain significance for Cardiovascular phenotype. Last evaluated: 2026-01-02. Review status: criteria provided, single submitter. Criteria: Ambry Variant Classification Scheme 2023. Collection method: clinical testing. Allele origin: germline.
Comment: The p.A2182V variant (also known as c.6545C>T) is located in coding exon 18 of the TNXB gene. The alanine at codon 2182 is replaced by valine, an amino acid with similar properties. This change occurs in the first base pair of coding exon 18. This amino acid position is conserved. In addition, this alteration is predicted to be tolerated by in silico analysis. Based on the available evidence, the clinical significance of this variant remains unclear.

GeneDx
Classification: Uncertain significance. Last evaluated: 2023-06-07. Review status: criteria provided, single submitter. Criteria: GeneDx Variant Classification Process June 2021. Collection method: clinical testing. Allele origin: germline. Affected: yes.
Comment: Not observed at significant frequency in large population cohorts (gnomAD); In silico analysis supports that this missense variant does not alter protein structure/function; Has not been previously published as pathogenic or benign to our knowledge